The following is an entry in ClinVar:

NM_004036.5(ADCY3):c.2644T>C (p.Tyr882His)

Gene: ADCY3 (adenylate cyclase 3; minus strand). Cytogenetic location: 2p23.3.
Variant type: single nucleotide variant.
Coding change: c.2644T>C on transcript NM_004036.5 (MANE Select); coding-DNA position 2644, T replaced by C.
Protein change: p.Tyr882His; replaces tyrosine 882 with histidine.
Molecular consequence: missense variant.
Genome position (GRCh38, 1-based): chr2:24,824,470, A>G on the plus strand (T>C on the coding strand, the complement: ADCY3 is on the minus strand). VCF-style: chr2-24824470-A-G. GRCh37 (hg19) VCF-style: chr2-25047339-A-G.
Other names: c.2647T>C, p.Tyr883His (NM_001320613.2); c.2710T>C, p.Tyr904His (NM_001377128.1); c.2506T>C, p.Tyr836His (NM_001377129.1); c.2239T>C, p.Tyr747His (NM_001377130.1); c.1921T>C, p.Tyr641His (NM_001377131.1); c.2644T>C, p.Tyr882His (NM_001377132.1); short protein forms Y641H, Y747H, Y836H, Y904H, Y882H, Y883H.
Identifiers: ClinVar variation 4992148 (VCV004992148.1).

ClinVar aggregate classification (germline): Uncertain significance (1 of 4 stars; one submission).

Conditions:
ADCY3-related disorder. Also called: ADCY3-related condition.

Submission:

PreventionGenetics, part of Exact Sciences
Classification: Uncertain significance for ADCY3-related condition. Last evaluated: 2026-09-16. Review status: criteria provided, single submitter. Criteria: ACMG Guidelines, 2015. Collection method: clinical testing. Allele origin: germline.
Comment: The ADCY3 c.2647T>C variant is predicted to result in the amino acid substitution p.Tyr883His. To our knowledge, this variant has not been reported in the literature or in a large population database (gnomAD), indicating this variant is rare. At this time, the clinical significance of this variant is uncertain due to the absence of conclusive functional and genetic evidence.